The following is an entry in ClinVar:

ClinVar aggregate classification (germline): Uncertain significance. Review status: criteria provided, multiple submitters, no conflicts (2 of 4 stars). 2 submissions from 2 submitters: Uncertain significance (2). Last evaluated 2024-10-09.

Conditions:
IGSF1-related disorder. Also called: IGSF1-related condition.
Inborn genetic diseases. Identifiers: MedGen C0950123, MeSH D030342.

Submissions (2):

PreventionGenetics, part of Exact Sciences
Classification: Uncertain significance for IGSF1-related condition. Last evaluated: 2024-10-09. Review status: criteria provided, single submitter. Criteria: ACMG Guidelines, 2015. Collection method: clinical testing. Allele origin: germline.
Comment: The IGSF1 c.1708C>T variant is predicted to result in the amino acid substitution p.Leu570Phe. To our knowledge, this variant has not been reported in the literature or in a large population database (gnomAD), indicating this variant is rare. At this time, the clinical significance of the c.1708C>T (p.Leu570Phe) variant is uncertain due to the absence of conclusive functional and genetic evidence.

Ambry Genetics
Classification: Uncertain significance for Inborn genetic diseases. Last evaluated: 2022-07-07. Review status: criteria provided, single submitter. Criteria: Ambry Variant Classification Scheme 2023. Collection method: clinical testing. Allele origin: germline.

NM_001555.5(IGSF1):c.1708C>T (p.Leu570Phe)

Gene: IGSF1 (immunoglobulin superfamily member 1; minus strand). Cytogenetic location: Xq26.1.
Variant type: single nucleotide variant.
Coding change: c.1708C>T on transcript NM_001555.5 (MANE Select); coding-DNA position 1708, C replaced by T.
Protein change: p.Leu570Phe; replaces leucine 570 with phenylalanine.
Molecular consequence: missense variant.
Genome position (GRCh38, 1-based): chrX:131,279,280, G>A on the plus strand (C>T on the coding strand, the complement: IGSF1 is on the minus strand). VCF-style: chrX-131279280-G-A. GRCh37 (hg19) VCF-style: chrX-130413254-G-A.
Other names: c.1708C>T, p.Leu570Phe (NM_001170961.2); c.1681C>T, p.Leu561Phe (NM_001170962.2); short protein forms L561F, L570F.
Identifiers: ClinVar variation 2288873 (VCV002288873.3), dbSNP rs2522231074, ClinGen allele CA414568799.